The following is an entry in ClinVar:

NM_001267550.2(TTN):c.86085C>T (p.Asp28695=)

Genes: TTN-AS1 (TTN antisense RNA 1; plus strand), TTN (titin; minus strand). Cytogenetic location: 2q31.2.
Variant type: single nucleotide variant.
Coding change: c.86085C>T on transcript NM_001267550.2 (MANE Select); coding-DNA position 86085, C replaced by T.
Protein change: p.Asp28695=; no amino-acid change (aspartic acid 28695 retained).
Molecular consequence: synonymous variant.
Genome position (GRCh38, 1-based): chr2:178,560,047, G>A on the plus strand (C>T on the coding strand, the complement: TTN is on the minus strand). VCF-style: chr2-178560047-G-A. GRCh37 (hg19) VCF-style: chr2-179424774-G-A.
Other names: c.78381C>T, p.Asp26127= (NM_133378.4); c.81162C>T, p.Asp27054= (NM_001256850.1); c.58890C>T, p.Asp19630= (NM_003319.4); c.59265C>T, p.Asp19755= (NM_133432.3); c.59466C>T, p.Asp19822= (NM_133437.4).
Identifiers: ClinVar variation 228156 (VCV000228156.21), dbSNP rs773001228, ClinGen allele CA1988556.

ClinVar aggregate classification (germline): Conflicting classifications of pathogenicity. Review status: criteria provided, conflicting classifications (1 of 4 stars). 4 submissions from 4 submitters: Uncertain significance (1); Likely benign (3). Last evaluated 2025-06-22.

Conditions:
Autosomal recessive limb-girdle muscular dystrophy type 2J (LGMDR10). Also called: Limb-girdle muscular dystrophy, type 2J; MUSCULAR DYSTROPHY, LIMB-GIRDLE, AUTOSOMAL RECESSIVE 10. Identifiers: Orphanet 140922, MedGen C1837342, MONDO:0012127, OMIM 608807.
Dilated cardiomyopathy 1G (CMD1G). Identifiers: Orphanet 154, MedGen C1858763, MONDO:0011400, OMIM 604145.
Cardiovascular phenotype. Identifiers: MedGen CN230736.

Allele frequency attached by ClinVar (database versions not stated): gnomAD exomes below 0.00001 and 0.00001; TOPMed below 0.00001; gnomAD 0.00001; ExAC 0.00002.
gnomAD v4.1: 6 of 1,613,568 alleles (0.00037%); highest among the groups gnomAD compares: Non-Finnish European, 0.00051%; no homozygotes.

Submissions (4):

Labcorp Genetics (formerly Invitae), Labcorp
Classification: Likely benign for Dilated cardiomyopathy 1G; Autosomal recessive limb-girdle muscular dystrophy type 2J. Last evaluated: 2025-06-22. Review status: criteria provided, single submitter. Criteria: Invitae Variant Classification Sherloc (09022015). Collection method: clinical testing. Allele origin: germline.

Ambry Genetics
Classification: Likely benign for Cardiovascular phenotype. Last evaluated: 2021-04-07. Review status: criteria provided, single submitter. Criteria: Ambry Variant Classification Scheme 2023. Collection method: clinical testing. Allele origin: germline.

Eurofins Ntd Llc (ga)
Classification: Uncertain significance. Last evaluated: 2018-07-17. Review status: criteria provided, single submitter. Criteria: EGL ClinVar v180209 classification definitions. Collection method: clinical testing. Allele origin: germline. Observed: 1 variant allele, 1 heterozygote.

Laboratory for Molecular Medicine, Mass General Brigham Personalized Medicine
Classification: Likely benign. Last evaluated: 2015-06-10. Review status: criteria provided, single submitter. Criteria: LMM Criteria. Collection method: clinical testing. Allele origin: germline. Observed: 1 variant allele.
Comment: p.Asp26127Asp in exon 275 of TTN: This variant is not expected to have clinical significance because it does not alter an amino acid residue and is not located within the splice consensus sequence. It has been identified in 2/66374 European chromosomes by the Exome Aggregation Consortium (ExAC).